The following is an entry in ClinVar:

ClinVar aggregate classification (germline): Uncertain significance (1 of 4 stars; one submission).

Conditions:
Spinocerebellar ataxia, autosomal recessive 31. Identifiers: MedGen C5543627, MONDO:0030323, OMIM 619422.

gnomAD v4.1: 2 of 1,613,340 alleles (0.00012%); highest among the groups gnomAD compares: Non-Finnish European, 0.00017%; no homozygotes.

Submission:

Juno Genomics, Hangzhou Juno Genomics, Inc
Classification: Uncertain significance for Spinocerebellar ataxia, autosomal recessive 31. Review status: criteria provided, single submitter. Criteria: ACMG Guidelines, 2015. Collection method: clinical testing. Allele origin: germline.
Comment: Null variant in a gene where loss of function (LOF) is a known mechanism of disease.;Absent from controls (or at extremely low frequency if recessive) in Genome Aggregation Database.

NM_001349232.2(ATG7):c.1956+1G>A

Gene: ATG7 (autophagy related 7; plus strand). Cytogenetic location: 3p25.3.
Variant type: single nucleotide variant.
Coding change: c.1956+1G>A on transcript NM_001349232.2 (MANE Select); the canonical splice donor site of the intron after coding-DNA position 1956, G replaced by A.
Molecular consequence: splice donor variant. On other transcripts: intron variant (1).
Genome position (GRCh38, 1-based): chr3:11,380,053, G>A. VCF-style: chr3-11380053-G-A. GRCh37 (hg19) VCF-style: chr3-11421527-G-A.
Other names: c.1023+1G>A (NM_001349238.2); c.1956+1G>A (NM_001349233.2, NM_001349235.2, NM_001349234.2 and 1 more transcripts); c.1875+15319G>A (NM_001136031.3); c.1797+1G>A (NM_001349237.2); c.1839+1G>A (NM_001349236.2, NM_001144912.2).
Identifiers: ClinVar variation 5006521 (VCV005006521.2).